The following is an entry in ClinVar:

ClinVar aggregate classification (germline): Uncertain significance (1 of 4 stars; one submission).

Conditions:
Ehlers-Danlos syndrome, classic type, 1 (EDSCL1). Also called: EHLERS-DANLOS SYNDROME, GRAVIS TYPE; EHLERS-DANLOS SYNDROME, SEVERE CLASSIC TYPE; EDS I; Ehlers-Danlos Syndrome, Classic Type, COL5A1-Related; Ehlers-Danlos syndrome, type 1. Identifiers: MedGen C0268335, MONDO:0019567, OMIM 130000.

Allele frequency attached by ClinVar (database versions not stated): gnomAD 0.00001; gnomAD exomes 0.00001; TOPMed below 0.00001.
gnomAD v4.1: 13 of 1,613,918 alleles (0.00081%); highest among the groups gnomAD compares: Non-Finnish European, 0.00085%; no homozygotes.

Submission:

Labcorp Genetics (formerly Invitae), Labcorp
Classification: Uncertain significance for Ehlers-Danlos syndrome, classic type, 1. Last evaluated: 2019-11-12. Review status: criteria provided, single submitter. Criteria: Invitae Variant Classification Sherloc (09022015). Collection method: clinical testing. Allele origin: germline.
Comment: This sequence change replaces proline with leucine at codon 448 of the COL5A2 protein (p.Pro448Leu). The proline residue is highly conserved and there is a moderate physicochemical difference between proline and leucine. This variant is present in population databases (rs757674141, ExAC 0.001%). This variant has not been reported in the literature in individuals with COL5A2-related conditions. Algorithms developed to predict the effect of missense changes on protein structure and function (SIFT, PolyPhen-2, Align-GVGD) all suggest that this variant is likely to be disruptive, but these predictions have not been confirmed by published functional studies and their clinical significance is uncertain. In summary, the available evidence is currently insufficient to determine the role of this variant in disease. Therefore, it has been classified as a Variant of Uncertain Significance.

NM_000393.5(COL5A2):c.1343C>T (p.Pro448Leu)

Gene: COL5A2 (collagen type V alpha 2 chain; minus strand). Cytogenetic location: 2q32.2.
Variant type: single nucleotide variant.
Coding change: c.1343C>T on transcript NM_000393.5 (MANE Select); coding-DNA position 1343, C replaced by T.
Protein change: p.Pro448Leu; replaces proline 448 with leucine.
Molecular consequence: missense variant.
Genome position (GRCh38, 1-based): chr2:189,068,073, G>A on the plus strand (C>T on the coding strand, the complement: COL5A2 is on the minus strand). VCF-style: chr2-189068073-G-A. GRCh37 (hg19) VCF-style: chr2-189932799-G-A.
Other names: short protein forms P448L.
Identifiers: ClinVar variation 971567 (VCV000971567.11), dbSNP rs757674141, ClinGen allele CA2022734.
Genomic context (GRCh38, chr2:189,068,073, plus strand): 5'-ACCGGTTGGCCTCGAATTCCCTGAGGACCAGTGCTACCCTGAGGTCCTGGAGATCCAGGA[G>A]GCCCTGCTGAGCCAGGAGGACCAGAGGTACCTGGAGAGCCCTATTAAACAGCAAGAGTGA-3'
Protein context (NP_000384.2, residues 438-458): GTSGPPGSAG[Pro448Leu]PGSPGPQGST